The following is an entry in ClinVar:

NM_152415.3(VPS37A):c.258A>G (p.Ile86Met)

Gene: VPS37A (VPS37A subunit of ESCRT-I; plus strand). Cytogenetic location: 8p22.
Variant type: single nucleotide variant.
Coding change: c.258A>G on transcript NM_152415.3 (MANE Select); coding-DNA position 258, A replaced by G.
Protein change: p.Ile86Met; replaces isoleucine 86 with methionine.
Molecular consequence: missense variant. On other transcripts: 5 prime UTR variant (5).
Genome position (GRCh38, 1-based): chr8:17,268,315, A>G. VCF-style: chr8-17268315-A-G. GRCh37 (hg19) VCF-style: chr8-17125824-A-G.
Other names: c.183A>G, p.Ile61Met (NM_001145152.2); c.258A>G, p.Ile86Met (NM_001363167.1, NM_001363173.2); c.-13A>G (NM_001363168.1, NM_001363169.1, NM_001363170.1 and 2 more transcripts); short protein forms I86M, I61M.
Identifiers: ClinVar variation 2822973 (VCV002822973.3), dbSNP rs2486898107, ClinGen allele CA370406556.

ClinVar aggregate classification (germline): Uncertain significance (1 of 4 stars; one submission).

Conditions:
Hereditary spastic paraplegia 53. Also called: Spastic paraplegia 53, autosomal recessive. Identifiers: Orphanet 319199, MedGen C3539494, MONDO:0013962, OMIM 614898.

Submission:

Labcorp Genetics (formerly Invitae), Labcorp
Classification: Uncertain significance for Hereditary spastic paraplegia 53. Last evaluated: 2022-12-21. Review status: criteria provided, single submitter. Criteria: Invitae Variant Classification Sherloc (09022015). Collection method: clinical testing. Allele origin: germline.
Comment: In summary, the available evidence is currently insufficient to determine the role of this variant in disease. Therefore, it has been classified as a Variant of Uncertain Significance. Advanced modeling of protein sequence and biophysical properties (such as structural, functional, and spatial information, amino acid conservation, physicochemical variation, residue mobility, and thermodynamic stability) performed at Invitae indicates that this missense variant is not expected to disrupt VPS37A protein function. This variant has not been reported in the literature in individuals affected with VPS37A-related conditions. This variant is not present in population databases (gnomAD no frequency). This sequence change replaces isoleucine, which is neutral and non-polar, with methionine, which is neutral and non-polar, at codon 86 of the VPS37A protein (p.Ile86Met).